The following is an entry in ClinVar:

NM_004239.4(TRIP11):c.4580A>C (p.Gln1527Pro)

Gene: TRIP11 (thyroid hormone receptor interactor 11; minus strand). Cytogenetic location: 14q32.12.
Variant type: single nucleotide variant.
Coding change: c.4580A>C on transcript NM_004239.4 (MANE Select); coding-DNA position 4580, A replaced by C.
Protein change: p.Gln1527Pro; replaces glutamine 1527 with proline.
Molecular consequence: missense variant.
Genome position (GRCh38, 1-based): chr14:92,000,086, T>G on the plus strand (A>C on the coding strand, the complement: TRIP11 is on the minus strand). VCF-style: chr14-92000086-T-G. GRCh37 (hg19) VCF-style: chr14-92466430-T-G.
Other names: c.4577A>C, p.Gln1526Pro (NM_001321851.1); short protein forms Q1526P, Q1527P.
Identifiers: ClinVar variation 3619582 (VCV003619582.2).

ClinVar aggregate classification (germline): Uncertain significance (1 of 4 stars; one submission).

Conditions:
Achondrogenesis, type IA (ACG1A). Identifiers: Orphanet 932, Orphanet 93299, MedGen C0265273, MONDO:0008701, OMIM 200600.

gnomAD v4.1: 4 of 1,613,996 alleles (0.00025%); highest among the groups gnomAD compares: Non-Finnish European, 0.00034%; no homozygotes.

Submission:

Labcorp Genetics (formerly Invitae), Labcorp
Classification: Uncertain significance for Achondrogenesis, type IA. Last evaluated: 2024-08-13. Review status: criteria provided, single submitter. Criteria: Invitae Variant Classification Sherloc (09022015). Collection method: clinical testing. Allele origin: germline.
Comment: This sequence change replaces glutamine, which is neutral and polar, with proline, which is neutral and non-polar, at codon 1527 of the TRIP11 protein (p.Gln1527Pro). This variant is present in population databases (rs770358660, gnomAD 0.003%). This variant has not been reported in the literature in individuals affected with TRIP11-related conditions. Invitae Evidence Modeling of protein sequence and biophysical properties (such as structural, functional, and spatial information, amino acid conservation, physicochemical variation, residue mobility, and thermodynamic stability) indicates that this missense variant is not expected to disrupt TRIP11 protein function with a negative predictive value of 80%. In summary, the available evidence is currently insufficient to determine the role of this variant in disease. Therefore, it has been classified as a Variant of Uncertain Significance.